The following is an entry in ClinVar:

NM_000256.3(MYBPC3):c.1393G>T (p.Val465Leu)

Gene: MYBPC3 (myosin binding protein C3; minus strand). Cytogenetic location: 11p11.2.
Variant type: single nucleotide variant.
Coding change: c.1393G>T on transcript NM_000256.3 (MANE Select); coding-DNA position 1393, G replaced by T.
Protein change: p.Val465Leu; replaces valine 465 with leucine.
Molecular consequence: missense variant.
Genome position (GRCh38, 1-based): chr11:47,342,894, C>A on the plus strand (G>T on the coding strand, the complement: MYBPC3 is on the minus strand). VCF-style: chr11-47342894-C-A. GRCh37 (hg19) VCF-style: chr11-47364445-C-A.
Other names: short protein forms V465L.
Identifiers: ClinVar variation 966762 (VCV000966762.11), dbSNP rs2095890438, ClinGen allele CA380326103.
Genomic context (GRCh38, chr11:47,342,894, plus strand): 5'-TGACTTGCGCCCCCTCCTCCGATACTTCACACTCAAACTCCACCCGCTGCCCCACCATCA[C>A]CAGCTGGTCCTCCAAGGGGCGCGTGATGAGCACAGGGGGCTCTGTCCAGGCAGGGTGAGC-3'
Protein context (NP_000247.2, residues 455-475): LITRPLEDQL[Val465Leu]MVGQRVEFEC

ClinVar aggregate classification (germline): Uncertain significance. Review status: criteria provided, multiple submitters, no conflicts (2 of 4 stars). 2 submissions from 2 submitters: Uncertain significance (2). Last evaluated 2021-03-04.

Conditions:
Hypertrophic cardiomyopathy. Also called: HYPERTROPHIC MYOCARDIOPATHY. Identifiers: Orphanet 217569, MedGen C0007194, MeSH D002312, MONDO:0005045, HP:0001639.

gnomAD v4.1: 1 of 1,612,828 alleles (0.000062%); highest among the groups gnomAD compares: African/African-American, 0.0013%; no homozygotes.

Submissions (2):

GeneDx
Classification: Uncertain significance. Last evaluated: 2021-03-04. Review status: criteria provided, single submitter. Criteria: GeneDx Variant Classification Process June 2021. Collection method: clinical testing. Allele origin: germline. Affected: yes.
Comment: Has not been previously published as pathogenic or benign to our knowledge; Reported in ClinVar as a variant of uncertain significance (ClinVar Variant ID# 966762; Landrum et al., 2016); Not observed in large population cohorts (Lek et al., 2016); In silico analysis supports that this missense variant does not alter protein structure/function

Labcorp Genetics (formerly Invitae), Labcorp
Classification: Uncertain significance for Hypertrophic cardiomyopathy. Last evaluated: 2019-11-04. Review status: criteria provided, single submitter. Criteria: Invitae Variant Classification Sherloc (09022015). Collection method: clinical testing. Allele origin: germline.
Comment: This sequence change replaces valine with leucine at codon 465 of the MYBPC3 protein (p.Val465Leu). The valine residue is highly conserved and there is a small physicochemical difference between valine and leucine. This variant is not present in population databases (ExAC no frequency). This variant has not been reported in the literature in individuals with MYBPC3-related conditions. Algorithms developed to predict the effect of missense changes on protein structure and function are either unavailable or do not agree on the potential impact of this missense change (SIFT: "Tolerated"; PolyPhen-2: "Probably Damaging"; Align-GVGD: "Class C0"). In summary, the available evidence is currently insufficient to determine the role of this variant in disease. Therefore, it has been classified as a Variant of Uncertain Significance.